The following is an entry in ClinVar:

ClinVar aggregate classification (germline): Uncertain significance. Review status: criteria provided, multiple submitters, no conflicts (2 of 4 stars). 3 submissions from 3 submitters: Uncertain significance (3). Last evaluated 2025-11-04.

Conditions:
Gastrointestinal stromal tumor. Also called: Gastrointestinal stromal tumor, somatic; Gastrointestinal stroma tumor. Identifiers: Orphanet 44890, MedGen C0238198, MeSH D046152, MONDO:0011719, OMIM 606764, HP:0100723.
Hereditary cancer-predisposing syndrome. Also called: Hereditary Cancer Syndrome; Tumor predisposition; Neoplastic Syndromes, Hereditary; Hereditary neoplastic syndrome. Identifiers: Orphanet 140162, MedGen C0027672, MeSH D009386, MONDO:0015356.

Allele frequency attached by ClinVar (database versions not stated): gnomAD exomes below 0.00001; TOPMed below 0.00001; gnomAD 0.00001.
gnomAD v4.1: 2 of 1,614,072 alleles (0.00012%); highest among the groups gnomAD compares: Non-Finnish European, 0.00017%; no homozygotes.

Submissions (3):

Labcorp Genetics (formerly Invitae), Labcorp
Classification: Uncertain significance for Gastrointestinal stromal tumor. Last evaluated: 2025-11-04. Review status: criteria provided, single submitter. Criteria: Invitae Variant Classification Sherloc (09022015). Collection method: clinical testing. Allele origin: germline.
Comment: This sequence change replaces serine, which is neutral and polar, with isoleucine, which is neutral and non-polar, at codon 30 of the KIT protein (p.Ser30Ile). This variant is not present in population databases (gnomAD no frequency). This variant has not been reported in the literature in individuals affected with KIT-related conditions. ClinVar contains an entry for this variant (Variation ID: 575381). An algorithm developed to predict the effect of missense changes on protein structure and function (PolyPhen-2) suggests that this variant is likely to be disruptive. In summary, the available evidence is currently insufficient to determine the role of this variant in disease. Therefore, it has been classified as a Variant of Uncertain Significance.

Ambry Genetics
Classification: Uncertain significance for Hereditary cancer-predisposing syndrome. Last evaluated: 2024-11-21. Review status: criteria provided, single submitter. Criteria: Ambry Variant Classification Scheme 2023. Collection method: clinical testing. Allele origin: germline.
Comment: The p.S30I variant (also known as c.89G>T), located in coding exon 2 of the KIT gene, results from a G to T substitution at nucleotide position 89. The serine at codon 30 is replaced by isoleucine, an amino acid with dissimilar properties. This amino acid position is conserved. In addition, this alteration is predicted to be tolerated by in silico analysis. Since supporting evidence is limited at this time, the clinical significance of this alteration remains unclear.

Baylor Genetics
Classification: Uncertain significance for Gastrointestinal stromal tumor. Last evaluated: 2024-02-07. Review status: criteria provided, single submitter. Criteria: ACMG Guidelines, 2015. Collection method: clinical testing. Allele origin: unknown.

NM_000222.3(KIT):c.89G>T (p.Ser30Ile)

Gene: KIT (KIT proto-oncogene, receptor tyrosine kinase; plus strand). Cytogenetic location: 4q12.
Variant type: single nucleotide variant.
Coding change: c.89G>T on transcript NM_000222.3 (MANE Select); coding-DNA position 89, G replaced by T.
Protein change: p.Ser30Ile; replaces serine 30 with isoleucine.
Molecular consequence: missense variant.
Genome position (GRCh38, 1-based): chr4:54,695,533, G>T. VCF-style: chr4-54695533-G-T. GRCh37 (hg19) VCF-style: chr4-55561699-G-T.
Other names: c.89G>T, p.Ser30Ile (NM_001093772.2, NM_001385284.1, NM_001385285.1 and 4 more transcripts); short protein forms S30I.
Identifiers: ClinVar variation 575381 (VCV000575381.15), dbSNP rs926559231, ClinGen allele CA96845542.